The following is an entry in ClinVar:

NM_002546.4(TNFRSF11B):c.104C>A (p.Thr35Asn)

Gene: TNFRSF11B (TNF receptor superfamily member 11b; minus strand). Cytogenetic location: 8q24.12.
Variant type: single nucleotide variant.
Coding change: c.104C>A on transcript NM_002546.4 (MANE Select); coding-DNA position 104, C replaced by A.
Protein change: p.Thr35Asn; replaces threonine 35 with asparagine.
Molecular consequence: missense variant.
Genome position (GRCh38, 1-based): chr8:118,933,227, G>T on the plus strand (C>A on the coding strand, the complement: TNFRSF11B is on the minus strand). VCF-style: chr8-118933227-G-T. GRCh37 (hg19) VCF-style: chr8-119945466-G-T.
Other names: short protein forms T35N.
Identifiers: ClinVar variation 911049 (VCV000911049.13), dbSNP rs150777320, ClinGen allele CA4854981.

ClinVar aggregate classification (germline): Uncertain significance. Review status: criteria provided, multiple submitters, no conflicts (2 of 4 stars). 3 submissions from 3 submitters: Uncertain significance (3). Last evaluated 2025-08-10.

Conditions:
Inborn genetic diseases. Identifiers: MedGen C0950123, MeSH D030342.
Hyperphosphatasemia with bone disease (PDB5). Also called: PAGET DISEASE OF BONE 5, JUVENILE-ONSET; Paget disease of bone 5; HYPEROSTOSIS CORTICALIS DEFORMANS JUVENILIS; HYPERPHOSPHATASEMIA, CHRONIC CONGENITAL IDIOPATHIC; HYPERPHOSPHATASIA, FAMILIAL IDIOPATHIC; Osteoectasia familial. Identifiers: Orphanet 2801, MedGen C0268414, MONDO:0009394, OMIM 239000.

Allele frequency attached by ClinVar (database versions not stated): ExAC 0.00012; gnomAD 0.00014; gnomAD exomes 0.00014; TOPMed 0.00014; ESP Exome Variant Server 0.00015.
gnomAD v4.1: 517 of 1,614,028 alleles (0.032%); highest among the groups gnomAD compares: Non-Finnish European, 0.042%; no homozygotes.

Submissions (3):

Ambry Genetics
Classification: Uncertain significance for Inborn genetic diseases. Last evaluated: 2025-08-10. Review status: criteria provided, single submitter. Criteria: Ambry Variant Classification Scheme 2023. Collection method: clinical testing. Allele origin: germline.

Labcorp Genetics (formerly Invitae), Labcorp
Classification: Uncertain significance. Last evaluated: 2024-10-17. Review status: criteria provided, single submitter. Criteria: Invitae Variant Classification Sherloc (09022015). Collection method: clinical testing. Allele origin: germline.
Comment: This sequence change replaces threonine, which is neutral and polar, with asparagine, which is neutral and polar, at codon 35 of the TNFRSF11B protein (p.Thr35Asn). This variant is present in population databases (rs150777320, gnomAD 0.03%). This variant has not been reported in the literature in individuals affected with TNFRSF11B-related conditions. ClinVar contains an entry for this variant (Variation ID: 911049). Invitae Evidence Modeling of protein sequence and biophysical properties (such as structural, functional, and spatial information, amino acid conservation, physicochemical variation, residue mobility, and thermodynamic stability) indicates that this missense variant is not expected to disrupt TNFRSF11B protein function with a negative predictive value of 80%. In summary, the available evidence is currently insufficient to determine the role of this variant in disease. Therefore, it has been classified as a Variant of Uncertain Significance.

Illumina Laboratory Services, Illumina
Classification: Uncertain significance for Hyperphosphatasemia with bone disease. Last evaluated: 2018-01-15. Review status: criteria provided, single submitter. Criteria: ICSL Variant Classification Criteria 13 December 2019. Collection method: clinical testing. Allele origin: germline.